The following is an entry in ClinVar:

NM_000132.4(F8):c.6791C>T (p.Thr2264Ile)

Gene: F8 (coagulation factor VIII; minus strand). Cytogenetic location: Xq28.
Variant type: single nucleotide variant.
Coding change: c.6791C>T on transcript NM_000132.4 (MANE Select); coding-DNA position 6791, C replaced by T.
Protein change: p.Thr2264Ile; replaces threonine 2264 with isoleucine.
Molecular consequence: missense variant.
Genome position (GRCh38, 1-based): chrX:154,860,541, G>A on the plus strand (C>T on the coding strand, the complement: F8 is on the minus strand). VCF-style: chrX-154860541-G-A. GRCh37 (hg19) VCF-style: chrX-154088816-G-A.
Other names: c.386C>T, p.Thr129Ile (NM_019863.3); short protein forms T129I, T2264I.
Identifiers: ClinVar variation 4056907 (VCV004056907.1).

ClinVar aggregate classification (germline): Uncertain significance (1 of 4 stars; one submission).

Submission:

GeneDx
Classification: Uncertain significance. Last evaluated: 2025-01-02. Review status: criteria provided, single submitter. Criteria: GeneDx Variant Classification Process June 2021. Collection method: clinical testing. Allele origin: germline. Affected: yes.
Comment: Not observed at significant frequency in large population cohorts (gnomAD); In silico analysis supports that this missense variant has a deleterious effect on protein structure/function; Has not been previously published as pathogenic or benign to our knowledge